The following is an entry in ClinVar:

ClinVar aggregate classification (germline): Pathogenic. Review status: criteria provided, multiple submitters, no conflicts (2 of 4 stars). 3 submissions from 3 submitters: Pathogenic (3). Last evaluated 2025-03-28.

Conditions:
Tyrosinase-positive oculocutaneous albinism (OCA2). Also called: Albinism, oculocutaneous, type II; ALBINISM II; Oculocutaneous albinism type 2. Identifiers: Orphanet 79432, MedGen C0268495, MONDO:0008746, OMIM 203200.

Submissions (3):

Myriad Genetics, Inc.
Classification: Pathogenic for Tyrosinase-positive oculocutaneous albinism. Last evaluated: 2025-03-28. Review status: criteria provided, single submitter. Criteria: Myriad Autosomal Dominant, Autosomal Recessive and X-Linked Classification Criteria (2023). Collection method: clinical testing. Allele origin: unknown.
Comment: NM_000275.2(OCA2):c.867delC(S289Rfs*7) is a frameshift variant classified as pathogenic in the context of oculocutaneous albinism, OCA2-related. S289Rfs*7 has not been observed in cases with relevant disease. Relevant functional assessments of this variant are not available in the literature. S289Rfs*7 has not been observed in referenced population frequency databases. In summary, NM_000275.2(OCA2):c.867delC(S289Rfs*7) is a frameshift variant in a gene where loss of function is a known mechanism of disease and is predicted to disrupt protein function. Please note: this variant was assessed in the context of healthy population screening.

Labcorp Genetics (formerly Invitae), Labcorp
Classification: Pathogenic. Last evaluated: 2023-06-14. Review status: criteria provided, single submitter. Criteria: Invitae Variant Classification Sherloc (09022015). Collection method: clinical testing. Allele origin: germline.
Comment: This sequence change creates a premature translational stop signal (p.Ser289Argfs*7) in the OCA2 gene. It is expected to result in an absent or disrupted protein product. Loss-of-function variants in OCA2 are known to be pathogenic (PMID: 19865097, 21541274). For these reasons, this variant has been classified as Pathogenic. ClinVar contains an entry for this variant (Variation ID: 198706). This variant has not been reported in the literature in individuals affected with OCA2-related conditions. This variant is not present in population databases (gnomAD no frequency).

Eurofins Ntd Llc (ga)
Classification: Pathogenic. Last evaluated: 2014-11-10. Review status: criteria provided, single submitter. Criteria: EGL Classification Definitions 2015. Collection method: clinical testing. Allele origin: germline. Observed: 1 variant allele, 1 heterozygote.

Literature cited by the submitters: PubMed 19865097 (cited by Labcorp Genetics (formerly Invitae), Labcorp); PubMed 21541274 (cited by Labcorp Genetics (formerly Invitae), Labcorp).

NM_000275.3(OCA2):c.867del (p.Ser289fs)

Gene: OCA2 (OCA2 melanosomal transmembrane protein; minus strand). Cytogenetic location: 15q13.1.
Variant type: Deletion.
Coding change: c.867del on transcript NM_000275.3 (MANE Select); coding-DNA position 867, one base deleted (C; older notation c.867delC).
Protein change: p.Ser289fs; shifts the reading frame from serine 289.
Molecular consequence: frameshift variant.
Genome position (GRCh38, 1-based): chr15:28,016,127, G deleted on the plus strand (C on the coding strand, the reverse complement: OCA2 is on the minus strand). VCF-style (leftmost placement, unchanged base first): chr15-28016126-TG-T. GRCh37 (hg19) VCF-style: chr15-28261272-TG-T.
Other names: c.867del, p.Ser289fs (NM_001300984.2); short protein forms S289fs.
Identifiers: ClinVar variation 198706 (VCV000198706.9), dbSNP rs794727898, ClinGen allele CA275422.